The following is an entry in ClinVar:

NM_001605.3(AARS1):c.2440G>A (p.Glu814Lys)

Gene: AARS1 (alanyl-tRNA synthetase 1; minus strand). Cytogenetic location: 16q22.1.
Variant type: single nucleotide variant.
Coding change: c.2440G>A on transcript NM_001605.3 (MANE Select); coding-DNA position 2440, G replaced by A.
Protein change: p.Glu814Lys; replaces glutamic acid 814 with lysine.
Molecular consequence: missense variant.
Genome position (GRCh38, 1-based): chr16:70,253,999, C>T on the plus strand (G>A on the coding strand, the complement: AARS1 is on the minus strand). VCF-style: chr16-70253999-C-T. GRCh37 (hg19) VCF-style: chr16-70287902-C-T.
Other names: short protein forms E814K.
Identifiers: ClinVar variation 1682124 (VCV001682124.6), dbSNP rs533029846, ClinGen allele CA8140409.
Genomic context (GRCh38, chr16:70,253,999, plus strand): 5'-TGCTGGCTCGGTCCAAGTCATCCATGACCTTCTTTAGGGATTTGAGAGTCTCCCGCAATT[C>T]ATCCTTCTGCCACTGGGGGATGACTGCAGTGGCCAGGGCCTGGAACCAATAGACGACCAT-3'
Protein context (NP_001596.2, residues 804-824): TAVIPQWQKD[Glu814Lys]LRETLKSLKK

ClinVar aggregate classification (germline): Uncertain significance (1 of 4 stars; one submission).

Conditions:
Charcot-Marie-Tooth disease type 2. Also called: Charcot-Marie-Tooth type 2. Identifiers: Orphanet 64746, MedGen C0270914, MONDO:0018993.

Allele frequency attached by ClinVar (database versions not stated): ExAC 0.00001; 1000 Genomes Project 0.00020; gnomAD exomes 0.00001; gnomAD 0.00001; 1000 Genomes Project 30x 0.00016; TOPMed below 0.00001.
gnomAD v4.1: 18 of 1,614,216 alleles (0.0011%); highest among the groups gnomAD compares: South Asian, 0.0022%; no homozygotes.

Submission:

Labcorp Genetics (formerly Invitae), Labcorp
Classification: Uncertain significance for Charcot-Marie-Tooth disease type 2. Last evaluated: 2025-03-10. Review status: criteria provided, single submitter. Criteria: Invitae Variant Classification Sherloc (09022015). Collection method: clinical testing. Allele origin: germline.
Comment: This sequence change replaces glutamic acid, which is acidic and polar, with lysine, which is basic and polar, at codon 814 of the AARS protein (p.Glu814Lys). This variant is present in population databases (rs533029846, gnomAD 0.002%). This variant has not been reported in the literature in individuals affected with AARS-related conditions. ClinVar contains an entry for this variant (Variation ID: 1682124). An algorithm developed to predict the effect of missense changes on protein structure and function (PolyPhen-2) suggests that this variant is likely to be tolerated. In summary, the available evidence is currently insufficient to determine the role of this variant in disease. Therefore, it has been classified as a Variant of Uncertain Significance.